The following is an entry in ClinVar:

ClinVar aggregate classification (germline): Uncertain significance (1 of 4 stars; one submission).

Conditions:
Neuromuscular disease caused by qualitative or quantitative defects of dysferlin. Also called: Dysferlinopathy; Qualitative or quantitative defects of dysferlin. Identifiers: Orphanet 207073, MedGen C2931687, MONDO:0016145.

Submission:

Labcorp Genetics (formerly Invitae), Labcorp
Classification: Uncertain significance for Neuromuscular disease caused by qualitative or quantitative defects of dysferlin. Last evaluated: 2022-05-27. Review status: criteria provided, single submitter. Criteria: Invitae Variant Classification Sherloc (09022015). Collection method: clinical testing. Allele origin: germline.
Comment: This sequence change replaces isoleucine, which is neutral and non-polar, with methionine, which is neutral and non-polar, at codon 795 of the DYSF protein (p.Ile795Met). This variant is not present in population databases (gnomAD no frequency). This variant has not been reported in the literature in individuals affected with DYSF-related conditions. Advanced modeling of protein sequence and biophysical properties (such as structural, functional, and spatial information, amino acid conservation, physicochemical variation, residue mobility, and thermodynamic stability) performed at Invitae indicates that this missense variant is expected to disrupt DYSF protein function. In summary, the available evidence is currently insufficient to determine the role of this variant in disease. Therefore, it has been classified as a Variant of Uncertain Significance.

NM_001130987.2(DYSF):c.2439C>G (p.Ile813Met)

Gene: DYSF (dysferlin; plus strand). Cytogenetic location: 2p13.2.
Variant type: single nucleotide variant.
Coding change: c.2439C>G on transcript NM_001130987.2 (MANE Select); coding-DNA position 2439, C replaced by G.
Protein change: p.Ile813Met; replaces isoleucine 813 with methionine.
Molecular consequence: missense variant.
Genome position (GRCh38, 1-based): chr2:71,564,087, C>G. VCF-style: chr2-71564087-C-G. GRCh37 (hg19) VCF-style: chr2-71791217-C-G.
Other names: c.2385C>G, p.Ile795Met (NM_003494.4, NM_001130978.2); c.2388C>G, p.Ile796Met (NM_001130455.2, NM_001130983.2); c.2343C>G, p.Ile781Met (NM_001130976.2, NM_001130977.2); c.2478C>G, p.Ile826Met (NM_001130979.2); c.2436C>G, p.Ile812Met (NM_001130980.2, NM_001130981.2); c.2481C>G, p.Ile827Met (NM_001130982.2); c.2346C>G, p.Ile782Met (NM_001130984.2, NM_001130986.2); c.2439C>G, p.Ile813Met (NM_001130985.2); short protein forms I782M, I812M, I781M, I826M, I795M, I796M, I813M, I827M.
Identifiers: ClinVar variation 1469577 (VCV001469577.3), dbSNP rs2091945245, ClinGen allele CA347211217.